The following is an entry in ClinVar:

ClinVar aggregate classification (germline): Uncertain significance (1 of 4 stars; one submission).

gnomAD v4.1: 4 of 1,613,694 alleles (0.00025%); highest among the groups gnomAD compares: Non-Finnish European, 0.00034%; no homozygotes.

Submission:

GeneDx
Classification: Uncertain significance. Last evaluated: 2024-05-05. Review status: criteria provided, single submitter. Criteria: GeneDx Variant Classification Process June 2021. Collection method: clinical testing. Allele origin: germline. Affected: yes.
Comment: Not observed at significant frequency in large population cohorts (gnomAD); In silico analysis supports that this missense variant has a deleterious effect on protein structure/function; Has not been previously published as pathogenic or benign to our knowledge

NM_015057.5(MYCBP2):c.9145A>G (p.Met3049Val)

Gene: MYCBP2 (MYC binding protein 2; minus strand). Cytogenetic location: 13q22.3.
Variant type: single nucleotide variant.
Coding change: c.9145A>G on transcript NM_015057.5 (MANE Select); coding-DNA position 9145, A replaced by G.
Protein change: p.Met3049Val; replaces methionine 3049 with valine.
Molecular consequence: missense variant.
Genome position (GRCh38, 1-based): chr13:77,098,009, T>C on the plus strand (A>G on the coding strand, the complement: MYCBP2 is on the minus strand). VCF-style: chr13-77098009-T-C. GRCh37 (hg19) VCF-style: chr13-77672144-T-C.
Other names: short protein forms M3049V.
Identifiers: ClinVar variation 3376110 (VCV003376110.1).